The following is an entry in ClinVar:

NM_001367624.2(ZNF469):c.11545C>T (p.Arg3849Trp)

Gene: ZNF469 (zinc finger protein 469; plus strand). Cytogenetic location: 16q24.2.
Variant type: single nucleotide variant.
Coding change: c.11545C>T on transcript NM_001367624.2 (MANE Select); coding-DNA position 11545, C replaced by T.
Protein change: p.Arg3849Trp; replaces arginine 3849 with tryptophan.
Molecular consequence: missense variant.
Genome position (GRCh38, 1-based): chr16:88,439,015, C>T. VCF-style: chr16-88439015-C-T. GRCh37 (hg19) VCF-style: chr16-88505423-C-T.
Other names: NM_001127464.1:c.11461C>T; short protein forms R3849W.
Identifiers: ClinVar variation 808137 (VCV000808137.51), dbSNP rs770109867, ClinGen allele CA8225619.

ClinVar aggregate classification (germline): Conflicting classifications of pathogenicity. Review status: criteria provided, conflicting classifications (1 of 4 stars). 6 submissions from 6 submitters: Uncertain significance (5); Likely benign (1). Last evaluated 2026-01-25.

Conditions:
Brittle cornea syndrome 1 (BCS1). Also called: CORNEAL FRAGILITY, KERATOGLOBUS, BLUE SCLERAE, JOINT HYPEREXTENSIBILITY; EDS6B; FRAGILITAS OCULI WITH JOINT HYPEREXTENSIBILITY; DYSGENESIS MESODERMALIS CORNEAE ET SCLERAE; Corneal fragility keratoglobus, blue sclerae AND joint hypermobility. Identifiers: Orphanet 90354, MedGen C0268344, MONDO:0024543, OMIM 229200.
Cardiovascular phenotype. Identifiers: MedGen CN230736.

Allele frequency attached by ClinVar (database versions not stated): ExAC 0.00005; gnomAD exomes 0.00005; TOPMed 0.00007; gnomAD 0.00008 and 0.00009.
gnomAD v4.1: 144 of 1,550,306 alleles (0.0093%); highest among the groups gnomAD compares: Non-Finnish European, 0.012%; no homozygotes.

Submissions (6):

Labcorp Genetics (formerly Invitae), Labcorp
Classification: Uncertain significance. Last evaluated: 2026-01-25. Review status: criteria provided, single submitter. Criteria: Invitae Variant Classification Sherloc (09022015). Collection method: clinical testing. Allele origin: germline.
Comment: This sequence change replaces arginine, which is basic and polar, with tryptophan, which is neutral and slightly polar, at codon 3821 of the ZNF469 protein (p.Arg3821Trp). This variant is present in population databases (rs770109867, gnomAD 0.01%). This variant has not been reported in the literature in individuals affected with ZNF469-related conditions. ClinVar contains an entry for this variant (Variation ID: 808137). An algorithm developed to predict the effect of missense changes on protein structure and function (PolyPhen-2) suggests that this variant is likely to be disruptive. In summary, the available evidence is currently insufficient to determine the role of this variant in disease. Therefore, it has been classified as a Variant of Uncertain Significance.

Women's Health and Genetics/Laboratory Corporation of America, LabCorp
Classification: Uncertain significance. Last evaluated: 2025-10-28. Review status: criteria provided, single submitter. Criteria: LabCorp Variant Classification Summary - May 2015. Collection method: clinical testing. Allele origin: germline.
Comment: Variant summary: ZNF469 c.11545C>T (p.Arg3849Trp) results in a non-conservative amino acid change in the encoded protein sequence. Algorithms developed to predict the effect of missense changes on protein structure and function are either unavailable or do not agree on the potential impact of this missense change. The variant allele was found at a frequency of 4.6e-05 in 153420 control chromosomes (gnomAD). The available data on variant occurrences in the general population are insufficient to allow any conclusion about variant significance. To our knowledge, no occurrence of c.11545C>T in individuals affected with ZNF469-related conditions and no experimental evidence demonstrating its impact on protein function have been reported. ClinVar contains an entry for this variant (Variation ID: 808137). Based on the evidence outlined above, the variant was classified as uncertain significance.

Ambry Genetics
Classification: Likely benign for Cardiovascular phenotype. Last evaluated: 2024-01-29. Review status: criteria provided, single submitter. Criteria: Ambry Variant Classification Scheme 2023. Collection method: clinical testing. Allele origin: germline.

Fulgent Genetics
Classification: Uncertain significance for Brittle cornea syndrome 1. Last evaluated: 2021-08-24. Review status: criteria provided, single submitter. Criteria: ACMG Guidelines, 2015. Collection method: clinical testing. Allele origin: unknown.

GeneDx
Classification: Uncertain significance. Last evaluated: 2021-03-10. Review status: criteria provided, single submitter. Criteria: GeneDx Variant Classification Process June 2021. Collection method: clinical testing. Allele origin: germline. Affected: yes.
Comment: In silico analysis supports that this missense variant has a deleterious effect on protein structure/function; Has not been previously published as pathogenic or benign to our knowledge

CeGaT Center for Human Genetics Tuebingen
Classification: Uncertain significance. Last evaluated: 2016-06-01. Review status: criteria provided, single submitter. Criteria: CeGaT Center For Human Genetics Tuebingen Variant Classification Criteria Version 2. Collection method: clinical testing. Allele origin: germline. Affected: yes. Observed: 1 variant allele.